The following is an entry in ClinVar:

ClinVar aggregate classification (germline): Uncertain significance (1 of 4 stars; one submission).

Conditions:
Neuropathy, hereditary motor and sensory, type 6B (HMSN6B). Also called: Neuropathy, hereditary motor and sensory, type VIB; HMSN VIB; CHARCOT-MARIE-TOOTH DISEASE, TYPE 6B; NEUROPATHY, HEREDITARY MOTOR AND SENSORY, TYPE VIB, WITH OPTIC ATROPHY. Identifiers: MedGen C4225302, MONDO:0014671, OMIM 616505.

gnomAD v4.1: 4 of 1,613,714 alleles (0.00025%); highest among the groups gnomAD compares: Middle Eastern, 0.05%; no homozygotes.

Submission:

Labcorp Genetics (formerly Invitae), Labcorp
Classification: Uncertain significance for Neuropathy, hereditary motor and sensory, type 6B. Last evaluated: 2019-12-11. Review status: criteria provided, single submitter. Criteria: Invitae Variant Classification Sherloc (09022015). Collection method: clinical testing. Allele origin: germline.
Comment: In summary, the available evidence is currently insufficient to determine the role of this variant in disease. Therefore, it has been classified as a Variant of Uncertain Significance. Algorithms developed to predict the effect of missense changes on protein structure and function are either unavailable or do not agree on the potential impact of this missense change (SIFT: "Deleterious"; PolyPhen-2: "Benign"; Align-GVGD: "Class C0"). This variant has not been reported in the literature in individuals with SLC25A46-related conditions. This variant is not present in population databases (ExAC no frequency). This sequence change replaces lysine with asparagine at codon 293 of the SLC25A46 protein (p.Lys293Asn). The lysine residue is moderately conserved and there is a moderate physicochemical difference between lysine and asparagine.

NM_138773.4(SLC25A46):c.879G>C (p.Lys293Asn)

Gene: SLC25A46 (solute carrier family 25 member 46; plus strand). Cytogenetic location: 5q22.1.
Variant type: single nucleotide variant.
Coding change: c.879G>C on transcript NM_138773.4 (MANE Select); coding-DNA position 879, G replaced by C.
Protein change: p.Lys293Asn; replaces lysine 293 with asparagine.
Molecular consequence: missense variant. On other transcripts: non-coding transcript variant (1), intron variant (1).
Genome position (GRCh38, 1-based): chr5:110,761,404, G>C. VCF-style: chr5-110761404-G-C. GRCh37 (hg19) VCF-style: chr5-110097104-G-C.
Other names: c.606G>C, p.Lys202Asn (NM_001303250.3); c.679-43G>C (NM_001303249.3); short protein forms K202N, K293N.
Identifiers: ClinVar variation 856904 (VCV000856904.10), dbSNP rs1800246744, ClinGen allele CA360696390.
Genomic context (GRCh38, chr5:110,761,404, plus strand): 5'-TCTTCATTACATCATCAGCTCAGTTATTCAGAAGTTTGTCCTACTAATTCTAAAGAGAAA[G>C]ACTTACAATAGCCACCTAGCTGAGAGCACTAGCCCTGTGCAGAGTATGTTGGATGCTTAT-3'
Protein context (NP_620128.1, residues 283-303): QKFVLLILKR[Lys293Asn]TYNSHLAEST